The following is an entry in ClinVar:

NM_024675.4(PALB2):c.2749-5T>G

Gene: PALB2 (partner and localizer of BRCA2; minus strand). Cytogenetic location: 16p12.2.
Variant type: single nucleotide variant.
Coding change: c.2749-5T>G on transcript NM_024675.4 (MANE Select); 5 bases into the intron before coding-DNA position 2749, T replaced by G.
Molecular consequence: intron variant.
Genome position (GRCh38, 1-based): chr16:23,624,099, A>C on the plus strand (T>G on the coding strand, the complement: PALB2 is on the minus strand). VCF-style: chr16-23624099-A-C. GRCh37 (hg19) VCF-style: chr16-23635420-A-C.
Identifiers: ClinVar variation 2020355 (VCV002020355.4), dbSNP rs1966828330, ClinGen allele CA494181322.

ClinVar aggregate classification (germline): Uncertain significance (1 of 4 stars; one submission).

Conditions:
Familial cancer of breast. Also called: hereditary breast carcinoma; BREAST CANCER, FAMILIAL; Hereditary breast cancer. Identifiers: Orphanet 227535, MedGen C0346153, MONDO:0016419, OMIM 114480. Disease mechanism: loss of function.

Submission:

Labcorp Genetics (formerly Invitae), Labcorp
Classification: Uncertain significance for Familial cancer of breast. Last evaluated: 2022-11-15. Review status: criteria provided, single submitter. Criteria: Invitae Variant Classification Sherloc (09022015). Collection method: clinical testing. Allele origin: germline.
Comment: This sequence change falls in intron 7 of the PALB2 gene. It does not directly change the encoded amino acid sequence of the PALB2 protein. This variant is not present in population databases (gnomAD no frequency). This variant has not been reported in the literature in individuals affected with PALB2-related conditions. Algorithms developed to predict the effect of sequence changes on RNA splicing suggest that this variant may disrupt the consensus splice site. In summary, the available evidence is currently insufficient to determine the role of this variant in disease. Therefore, it has been classified as a Variant of Uncertain Significance.